The following is an entry in ClinVar:

NM_001199107.2(TBC1D24):c.*385C>T

Gene: TBC1D24 (TBC1 domain family member 24; plus strand). Cytogenetic location: 16p13.3.
Variant type: single nucleotide variant.
Coding change: c.*385C>T on transcript NM_001199107.2 (MANE Select); 385 bases downstream of the stop codon, C replaced by T.
Molecular consequence: 3 prime UTR variant.
Genome position (GRCh38, 1-based): chr16:2,501,343, C>T. VCF-style: chr16-2501343-C-T. GRCh37 (hg19) VCF-style: chr16-2551344-C-T.
Other names: c.*385C>T (NM_020705.3).
Identifiers: ClinVar variation 884514 (VCV000884514.4), dbSNP rs185077219, ClinGen allele CA276810095.

ClinVar aggregate classification (germline): Benign (1 of 4 stars; one submission).

Conditions:
Familial infantile myoclonic epilepsy (FIME). Also called: TBC1D24-Related Familial Infantile Myoclonic Epilepsy (FIME); Epilepsy, Myoclonic, Infantile. Identifiers: Orphanet 352582, MedGen C0917800, MONDO:0011506, OMIM 605021.

Allele frequency attached by ClinVar (database versions not stated): TOPMed 0.00107; 1000 Genomes Project 0.00579; gnomAD 0.00083 and 0.00119; gnomAD exomes 0.00166; 1000 Genomes Project 30x 0.00531.
gnomAD v4.1: 391 of 281,664 alleles (0.14%); highest among the groups gnomAD compares: East Asian, 2.5%; 5 homozygotes.

Submission:

Illumina Laboratory Services, Illumina
Classification: Benign for Familial infantile myoclonic epilepsy. Last evaluated: 2017-04-27. Review status: criteria provided, single submitter. Criteria: ICSL Variant Classification Criteria 13 December 2019. Collection method: clinical testing. Allele origin: germline.
Comment: This variant was observed as part of a predisposition screen in an ostensibly healthy population. A literature search was performed for the gene, cDNA change, and amino acid change (where applicable). No publications were found based on this search. Allele frequency data from public databases was too high to be consistent with this variant causing disease. Therefore, this variant is classified as benign.